The following is an entry in ClinVar:

NC_000004.11:g.(?_5690874)_(5696238_?)del

Gene: EVC2 (EvC ciliary complex subunit 2; minus strand). Cytogenetic location: 4p16.2.
Variant type: Deletion.
Identifiers: ClinVar variation 2427347 (VCV002427347.4).

ClinVar aggregate classification (germline): Pathogenic (1 of 4 stars; one submission).

Conditions:
Curry-Hall syndrome (WAD). Also called: WEYERS ACRODENTAL DYSOSTOSIS. Identifiers: Orphanet 952, MedGen C0457013, MONDO:0008673, OMIM 193530.
Ellis-van Creveld syndrome (EVC). Also called: MESOECTODERMAL DYSPLASIA; EVC-Related Ellis-van Creveld Syndrome; EVC2-Related Ellis-van Creveld Syndrome; Chondroectodermal dysplasia. Identifiers: Orphanet 289, MedGen C0013903, MONDO:0009162, OMIM 225500.

Submission:

Labcorp Genetics (formerly Invitae), Labcorp
Classification: Pathogenic for Curry-Hall syndrome; Ellis-van Creveld syndrome. Last evaluated: 2021-12-25. Review status: criteria provided, single submitter. Criteria: Invitae Variant Classification Sherloc (09022015). Collection method: clinical testing. Allele origin: germline.
Comment: For these reasons, this variant has been classified as Pathogenic. This variant disrupts a region of the EVC2 protein in which other variant(s) (p.Asp207Tyr) have been determined to be pathogenic (PMID: 19251731, 29068549). This suggests that this is a clinically significant region of the protein, and that variants that disrupt it are likely to be disease-causing. This variant has not been reported in the literature in individuals affected with EVC2-related conditions. This variant is a gross deletion of the genomic region encompassing exon(s) 3-5 of the EVC2 gene. This variant would be expected to be in-frame, preserving the integrity of the reading frame.

Literature cited by the submitters: PubMed 19251731; PubMed 29068549.